The following is an entry in ClinVar:

ClinVar aggregate classification (germline): Uncertain significance (1 of 4 stars; one submission).

Allele frequency attached by ClinVar (database versions not stated): ESP Exome Variant Server 0.00016; TOPMed 0.00001; gnomAD 0.00001.
gnomAD v4.1: 2 of 1,557,974 alleles (0.00013%); highest among the groups gnomAD compares: African/African-American, 0.0014%; no homozygotes.

Submission:

Labcorp Genetics (formerly Invitae), Labcorp
Classification: Uncertain significance. Last evaluated: 2025-09-10. Review status: criteria provided, single submitter. Criteria: Invitae Variant Classification Sherloc (09022015). Collection method: clinical testing. Allele origin: germline.
Comment: This sequence change replaces proline, which is neutral and non-polar, with serine, which is neutral and polar, at codon 1072 of the RAI1 protein (p.Pro1072Ser). This variant is not present in population databases (gnomAD no frequency). This variant has not been reported in the literature in individuals affected with RAI1-related conditions. ClinVar contains an entry for this variant (Variation ID: 1426258). Invitae Evidence Modeling of protein sequence and biophysical properties (such as structural, functional, and spatial information, amino acid conservation, physicochemical variation, residue mobility, and thermodynamic stability) indicates that this missense variant is not expected to disrupt RAI1 protein function with a negative predictive value of 80%. In summary, the available evidence is currently insufficient to determine the role of this variant in disease. Therefore, it has been classified as a Variant of Uncertain Significance.

NM_030665.4(RAI1):c.3214C>T (p.Pro1072Ser)

Gene: RAI1 (retinoic acid induced 1; plus strand). Cytogenetic location: 17p11.2.
Variant type: single nucleotide variant.
Coding change: c.3214C>T on transcript NM_030665.4 (MANE Select); coding-DNA position 3214, C replaced by T.
Protein change: p.Pro1072Ser; replaces proline 1072 with serine.
Molecular consequence: missense variant.
Genome position (GRCh38, 1-based): chr17:17,796,162, C>T. VCF-style: chr17-17796162-C-T. GRCh37 (hg19) VCF-style: chr17-17699476-C-T.
Other names: short protein forms P1072S.
Identifiers: ClinVar variation 1426258 (VCV001426258.8), dbSNP rs373079634, ClinGen allele CA288370287.